The following is an entry in ClinVar:

NM_144596.4(TTC8):c.313C>T (p.Pro105Ser)

Gene: TTC8 (tetratricopeptide repeat domain 8; plus strand). Cytogenetic location: 14q31.3.
Variant type: single nucleotide variant.
Coding change: c.313C>T on transcript NM_144596.4 (MANE Select); coding-DNA position 313, C replaced by T.
Protein change: p.Pro105Ser; replaces proline 105 with serine.
Molecular consequence: missense variant. On other transcripts: 5 prime UTR variant (2), non-coding transcript variant (1).
Genome position (GRCh38, 1-based): chr14:88,840,912, C>T. VCF-style: chr14-88840912-C-T. GRCh37 (hg19) VCF-style: chr14-89307256-C-T.
Other names: c.283C>T, p.Pro95Ser (NM_001288781.1, NM_001366535.2, NM_001366536.2 and 2 more transcripts); c.-280C>T (NM_001288782.1); c.-375C>T (NM_001288783.1); short protein forms P105S, P95S.
Identifiers: ClinVar variation 1027100 (VCV001027100.8), dbSNP rs2094777358, ClinGen allele CA390573833.

ClinVar aggregate classification (germline): Uncertain significance (1 of 4 stars; one submission).

Conditions:
Bardet-Biedl syndrome (BBS). Identifiers: Orphanet 110, MedGen C0752166, MONDO:0015229.

Submission:

Labcorp Genetics (formerly Invitae), Labcorp
Classification: Uncertain significance for Bardet-Biedl syndrome. Last evaluated: 2022-07-19. Review status: criteria provided, single submitter. Criteria: Invitae Variant Classification Sherloc (09022015). Collection method: clinical testing. Allele origin: germline.
Comment: In summary, the available evidence is currently insufficient to determine the role of this variant in disease. Therefore, it has been classified as a Variant of Uncertain Significance. Algorithms developed to predict the effect of missense changes on protein structure and function (SIFT, PolyPhen-2, Align-GVGD) all suggest that this variant is likely to be tolerated. ClinVar contains an entry for this variant (Variation ID: 1027100). This variant has not been reported in the literature in individuals affected with TTC8-related conditions. This variant is not present in population databases (gnomAD no frequency). This sequence change replaces proline, which is neutral and non-polar, with serine, which is neutral and polar, at codon 95 of the TTC8 protein (p.Pro95Ser).